The following is an entry in ClinVar:

ClinVar aggregate classification (germline): Pathogenic/Likely pathogenic. Review status: criteria provided, multiple submitters, no conflicts (2 of 4 stars). 5 submissions from 5 submitters: Pathogenic (1); Likely pathogenic (4). Last evaluated 2026-05-29.

Conditions:
Hereditary cancer-predisposing syndrome. Also called: Hereditary Cancer Syndrome; Tumor predisposition; Hereditary neoplastic syndrome; Neoplastic Syndromes, Hereditary. Identifiers: Orphanet 140162, MedGen C0027672, MeSH D009386, MONDO:0015356.
Ataxia-telangiectasia syndrome (AT). Also called: Ataxia telangiectasia (A-T); Cerebello-oculocutaneous telangiectasia; Immunodeficiency with ataxia telangiectasia; LOUIS-BAR SYNDROME; ATAXIA-TELANGIECTASIA, COMPLEMENTATION GROUP A; ATAXIA-TELANGIECTASIA, FRESNO VARIANT. Identifiers: Orphanet 100, MedGen C0004135, MONDO:0008840, OMIM 208900.
Familial cancer of breast. Also called: Hereditary breast cancer; BREAST CANCER, FAMILIAL; hereditary breast carcinoma. Identifiers: Orphanet 227535, MedGen C0346153, MONDO:0016419, OMIM 114480. Disease mechanism: loss of function.

Submissions (5):

Ambry Genetics
Classification: Likely pathogenic for Hereditary cancer-predisposing syndrome. Last evaluated: 2026-05-29. Review status: criteria provided, single submitter. Criteria: Ambry Variant Classification Scheme 2023. Collection method: clinical testing. Allele origin: germline.
Comment: The c.1066-2A>T intronic variant results from an A to T substitution two nucleotides upstream from coding exon 8 in the ATM gene. In an assay testing ATM function, this variant showed a functionally abnormal result (Lee KS et al. Cell, 2025 Sep;188:5081-5099.e27). This variant is considered to be rare based on population cohorts in the Genome Aggregation Database (gnomAD). This nucleotide position is highly conserved in available vertebrate species. In silico splice site analysis predicts that this alteration will weaken the native splice acceptor site. Variants that disrupt the canonical splice site are expected to cause aberrant splicing, resulting in an abnormal protein or a transcript that is subject to nonsense-mediated mRNA decay. As such, this variant is classified as likely pathogenic.

Labcorp Genetics (formerly Invitae), Labcorp
Classification: Pathogenic for Ataxia-telangiectasia syndrome. Last evaluated: 2025-01-27. Review status: criteria provided, single submitter. Criteria: Invitae Variant Classification Sherloc (09022015). Collection method: clinical testing. Allele origin: germline.
Comment: This sequence change affects an acceptor splice site in intron 8 of the ATM gene. It is expected to disrupt RNA splicing. Variants that disrupt the donor or acceptor splice site typically lead to a loss of protein function (PMID: 16199547), and loss-of-function variants in ATM are known to be pathogenic (PMID: 23807571, 25614872). This variant is not present in population databases (gnomAD no frequency). Disruption of this splice site has been observed in individual(s) with clinical features of ataxia-telangiectasia (internal data). ClinVar contains an entry for this variant (Variation ID: 450641). Algorithms developed to predict the effect of sequence changes on RNA splicing suggest that this variant may disrupt the consensus splice site. For these reasons, this variant has been classified as Pathogenic.

Myriad Genetics, Inc.
Classification: Likely pathogenic for Familial cancer of breast. Last evaluated: 2024-01-12. Review status: criteria provided, single submitter. Criteria: Myriad Autosomal Dominant, Autosomal Recessive and X-Linked Classification Criteria (2023). Collection method: clinical testing. Allele origin: unknown.
Comment: This variant is considered likely pathogenic. This variant occurs within a consensus splice junction and is predicted to result in abnormal mRNA splicing of either an out-of-frame exon or an in-frame exon necessary for protein stability and/or normal function.

Color Diagnostics, LLC DBA Color Health
Classification: Likely pathogenic for Hereditary cancer-predisposing syndrome. Last evaluated: 2020-04-23. Review status: criteria provided, single submitter. Criteria: ACMG Guidelines, 2015. Collection method: clinical testing. Allele origin: germline.
Comment: This variant causes an A to T nucleotide substitution at the -2 position of intron 8 of the ATM gene. Splice site prediction tools suggest that this variant may have a significant impact on RNA splicing. Although this prediction has not been confirmed in published RNA studies, this variant is expected to result in an absent or disrupted protein product. This variant has not been reported in individuals affected with hereditary cancer in the literature. This variant has not been identified in the general population by the Genome Aggregation Database (gnomAD). Loss of ATM function is a known mechanism of disease. Based on the available evidence, this variant is classified as Likely Pathogenic.

GeneDx
Classification: Likely pathogenic. Last evaluated: 2017-07-13. Review status: criteria provided, single submitter. Criteria: GeneDx Variant Classification (06012015). Collection method: clinical testing. Allele origin: germline. Affected: yes.
Comment: This variant is denoted ATM c.1066-2A>T or IVS8-2A>T and consists of an A>T nucleotide substitutionat the -2 position of intron 8 of the ATM gene. This variant destroys a canonical splice acceptor site and is predicted tocause abnormal gene splicing, leading to either an abnormal message that is subject to nonsense-mediated mRNAdecay or to an abnormal protein product. This variant has not, to our knowledge, been published in the literature.Based on the currently available information, we consider ATM c.1066-2A>T to be a likely pathogenic variant

Literature cited by the submitters: PubMed 40580951 (cited by Ambry Genetics); PubMed 16199547 (cited by Labcorp Genetics (formerly Invitae), Labcorp); PubMed 23807571 (cited by Labcorp Genetics (formerly Invitae), Labcorp); PubMed 25614872 (cited by Labcorp Genetics (formerly Invitae), Labcorp).

NM_000051.4(ATM):c.1066-2A>T

Gene: ATM (ATM serine/threonine kinase; plus strand). Cytogenetic location: 11q22.3.
Variant type: single nucleotide variant.
Coding change: c.1066-2A>T on transcript NM_000051.4 (MANE Select); the canonical splice acceptor site of the intron before coding-DNA position 1066, A replaced by T.
Molecular consequence: splice acceptor variant.
Genome position (GRCh38, 1-based): chr11:108,248,931, A>T. VCF-style: chr11-108248931-A-T. GRCh37 (hg19) VCF-style: chr11-108119658-A-T.
Other names: c.1066-2A>T (NM_001351834.2).
Identifiers: ClinVar variation 450641 (VCV000450641.17), dbSNP rs1555069514, ClinGen allele CA382532304.